The following is an entry in ClinVar:

NC_012920.1(MT-ND2):m.4500T>C

Gene: MT-ND2 (mitochondrially encoded NADH dehydrogenase 2; plus strand).
Variant type: single nucleotide variant.
Genome position: chrM-4500-T-C.
Identifiers: ClinVar variation 692452 (VCV000692452.1), dbSNP rs879007369, ClinGen allele CA337096891.

ClinVar aggregate classification (germline): Likely benign (1 of 4 stars; one submission).

Conditions:
Leigh syndrome (NULS). Also called: Leigh's necrotizing encephalopathy; Leigh's disease; Leigh Syndrome (mtDNA deletion); Leigh Disease; Subacute necrotizing encephalopathy; Necrotizing encephalopathy infantile subacute of Leigh. Identifiers: Orphanet 506, MedGen C2931891, MONDO:0009723, OMIM 256000.

Submission:

Wong Mito Lab, Molecular and Human Genetics, Baylor College of Medicine
Classification: Likely benign for Leigh syndrome. Last evaluated: 2019-10-17. Review status: criteria provided, single submitter. Criteria: Modified ACMG Guidelines (Unpublished). Collection method: clinical testing. Allele origin: germline.
Comment: The NC_012920.1:m.4500T>C (YP_003024027.1:p.Ser11Pro) variant in MTND2 gene is interpretated to be a Likely Benign variant based on the modified ACMG guidelines (unpublished). This variant meets the following evidence codes: BS4, BP4